The following is an entry in ClinVar:

NM_001324144.2(ZNF41):c.1693C>T (p.Arg565Cys)

Gene: ZNF41 (zinc finger protein 41; minus strand). Cytogenetic location: Xp11.3.
Variant type: single nucleotide variant.
Coding change: c.1693C>T on transcript NM_001324144.2 (MANE Select); coding-DNA position 1693, C replaced by T.
Protein change: p.Arg565Cys; replaces arginine 565 with cysteine.
Molecular consequence: missense variant.
Genome position (GRCh38, 1-based): chrX:47,448,077, G>A on the plus strand (C>T on the coding strand, the complement: ZNF41 is on the minus strand). VCF-style: chrX-47448077-G-A. GRCh37 (hg19) VCF-style: chrX-47307476-G-A.
Other names: c.1435C>T, p.Arg479Cys (NM_001324139.2, NM_001324141.2, NM_001324143.2 and 3 more transcripts); c.1693C>T, p.Arg565Cys (NM_001324140.2, NM_001324147.2, NM_001324150.2 and 2 more transcripts); c.1699C>T, p.Arg567Cys (NM_001324142.2, NM_001324148.2); c.1723C>T, p.Arg575Cys (NM_001324151.2, NM_001324153.2); c.1795C>T, p.Arg599Cys (NM_001324154.1); c.1819C>T, p.Arg607Cys (NM_001324155.1); c.1591C>T, p.Arg531Cys (NM_001324156.1); c.1585C>T, p.Arg529Cys (NM_001324157.1); short protein forms R529C, R565C, R567C, R575C, R531C, R599C, R607C, R479C.
Identifiers: ClinVar variation 2399225 (VCV002399225.27), dbSNP rs376568507, ClinGen allele CA10397677.
Genomic context (GRCh38, chrX:47,448,077, plus strand): 5'-CGCAGTCCTTGCATTCATAGTGTCTCTCTCCAATATGAGATTTCTGATGTATTTTGAGGC[G>A]CGACTTCCATATGAAGGCTTTTCCACAGCCATTGCACTTATAGGGTTTCTCTCCAGTGTG-3'
Protein context (NP_001311073.1, residues 555-575): GCGKAFIWKS[Arg565Cys]LKIHQKSHIG

ClinVar aggregate classification (germline): Conflicting classifications of pathogenicity. Review status: criteria provided, conflicting classifications (1 of 4 stars). 2 submissions from 2 submitters: Uncertain significance (1); Likely benign (1). Last evaluated 2025-06-24.

Allele frequency attached by ClinVar (database versions not stated): ESP Exome Variant Server 0.00009; gnomAD exomes 0.00009; ExAC 0.00011; TOPMed 0.00012; gnomAD 0.00016.
gnomAD v4.1: 113 of 1,209,505 alleles (0.0093%); highest among the groups gnomAD compares: Admixed American, 0.026%; no homozygotes.

Submissions (2):

Ambry Genetics
Classification: Uncertain significance. Last evaluated: 2025-06-24. Review status: criteria provided, single submitter. Criteria: Ambry Variant Classification Scheme 2023. Collection method: clinical testing. Allele origin: germline.

CeGaT Center for Human Genetics Tuebingen
Classification: Likely benign. Last evaluated: 2022-04-01. Review status: criteria provided, single submitter. Criteria: CeGaT Center For Human Genetics Tuebingen Variant Classification Criteria Version 2. Collection method: clinical testing. Allele origin: germline. Affected: yes. Observed: 1 variant allele.
Comment: ZNF41: BS2